The following is an entry in ClinVar:

NM_006206.6(PDGFRA):c.527A>G (p.Gln176Arg)

Gene: PDGFRA (platelet derived growth factor receptor alpha; plus strand). Cytogenetic location: 4q12.
Variant type: single nucleotide variant.
Coding change: c.527A>G on transcript NM_006206.6 (MANE Select); coding-DNA position 527, A replaced by G.
Protein change: p.Gln176Arg; replaces glutamine 176 with arginine.
Molecular consequence: missense variant.
Genome position (GRCh38, 1-based): chr4:54,263,826, A>G. VCF-style: chr4-54263826-A-G. GRCh37 (hg19) VCF-style: chr4-55129993-A-G.
Other names: c.527A>G, p.Gln176Arg (NM_001347827.2, NM_001347829.2); c.602A>G, p.Gln201Arg (NM_001347828.2); c.566A>G, p.Gln189Arg (NM_001347830.2); short protein forms Q176R, Q189R, Q201R.
Identifiers: ClinVar variation 528618 (VCV000528618.15), dbSNP rs139217250, ClinGen allele CA96849162.

ClinVar aggregate classification (germline): Conflicting classifications of pathogenicity. Review status: criteria provided, conflicting classifications (1 of 4 stars). 3 submissions from 3 submitters: Uncertain significance (2); Likely benign (1). Last evaluated 2026-01-13.

Conditions:
Hereditary cancer-predisposing syndrome. Also called: Tumor predisposition; Hereditary neoplastic syndrome; Hereditary Cancer Syndrome; Neoplastic Syndromes, Hereditary. Identifiers: Orphanet 140162, MedGen C0027672, MeSH D009386, MONDO:0015356.
Gastrointestinal stromal tumor. Also called: Gastrointestinal stroma tumor; Gastrointestinal stromal tumor, somatic. Identifiers: Orphanet 44890, MedGen C0238198, MeSH D046152, MONDO:0011719, OMIM 606764, HP:0100723.
Polyps, multiple and recurrent inflammatory fibroid, gastrointestinal. Identifiers: MedGen C5193005, MONDO:0008285, OMIM 175510.

Allele frequency attached by ClinVar (database versions not stated): gnomAD exomes below 0.00001; gnomAD 0.00001; TOPMed 0.00001; ESP Exome Variant Server 0.00008.
gnomAD v4.1: 2 of 1,613,996 alleles (0.00012%); highest among the groups gnomAD compares: African/African-American, 0.0027%; no homozygotes.

Submissions (3):

Labcorp Genetics (formerly Invitae), Labcorp
Classification: Uncertain significance for Gastrointestinal stromal tumor. Last evaluated: 2026-01-13. Review status: criteria provided, single submitter. Criteria: Invitae Variant Classification Sherloc (09022015). Collection method: clinical testing. Allele origin: germline.
Comment: This sequence change replaces glutamine, which is neutral and polar, with arginine, which is basic and polar, at codon 176 of the PDGFRA protein (p.Gln176Arg). This variant is present in population databases (rs139217250, gnomAD 0.004%). This variant has not been reported in the literature in individuals affected with PDGFRA-related conditions. ClinVar contains an entry for this variant (Variation ID: 528618). An algorithm developed to predict the effect of missense changes on protein structure and function (PolyPhen-2) suggests that this variant is likely to be tolerated. In summary, the available evidence is currently insufficient to determine the role of this variant in disease. Therefore, it has been classified as a Variant of Uncertain Significance.

Ambry Genetics
Classification: Likely benign for Hereditary cancer-predisposing syndrome. Last evaluated: 2024-03-28. Review status: criteria provided, single submitter. Criteria: Ambry Variant Classification Scheme 2023. Collection method: clinical testing. Allele origin: germline.

Baylor Genetics
Classification: Uncertain significance for Polyps, multiple and recurrent inflammatory fibroid, gastrointestinal. Last evaluated: 2023-09-06. Review status: criteria provided, single submitter. Criteria: ACMG Guidelines, 2015. Collection method: clinical testing. Allele origin: unknown.